The following is an entry in ClinVar:

NM_001330360.2(POLA1):c.382A>C (p.Asn128His)

Gene: POLA1 (DNA polymerase alpha 1, catalytic subunit; plus strand). Cytogenetic location: Xp22.11.
Variant type: single nucleotide variant.
Coding change: c.382A>C on transcript NM_001330360.2 (MANE Select); coding-DNA position 382, A replaced by C.
Protein change: p.Asn128His; replaces asparagine 128 with histidine.
Molecular consequence: missense variant. On other transcripts: non-coding transcript variant (2).
Genome position (GRCh38, 1-based): chrX:24,714,589, A>C. VCF-style: chrX-24714589-A-C. GRCh37 (hg19) VCF-style: chrX-24732706-A-C.
Other names: c.382A>C, p.Asn128His (NM_001378303.1, NM_001440806.1); c.364A>C, p.Asn122His (NM_016937.4); short protein forms N128H, N122H.
Identifiers: ClinVar variation 4743008 (VCV004743008.1).

ClinVar aggregate classification (germline): Uncertain significance (1 of 4 stars; one submission).

Submission:

Labcorp Genetics (formerly Invitae), Labcorp
Classification: Uncertain significance. Last evaluated: 2025-06-12. Review status: criteria provided, single submitter. Criteria: Invitae Variant Classification Sherloc (09022015). Collection method: clinical testing. Allele origin: germline.
Comment: This sequence change replaces asparagine, which is neutral and polar, with histidine, which is basic and polar, at codon 122 of the POLA1 protein (p.Asn122His). This variant is not present in population databases (gnomAD no frequency). This variant has not been reported in the literature in individuals affected with POLA1-related conditions. Invitae Evidence Modeling of protein sequence and biophysical properties (such as structural, functional, and spatial information, amino acid conservation, physicochemical variation, residue mobility, and thermodynamic stability) indicates that this missense variant is not expected to disrupt POLA1 protein function with a negative predictive value of 80%. In summary, the available evidence is currently insufficient to determine the role of this variant in disease. Therefore, it has been classified as a Variant of Uncertain Significance.